The following is an entry in ClinVar:

NM_012463.4(ATP6V0A2):c.1016G>A (p.Arg339His)

Gene: ATP6V0A2 (ATPase H+ transporting V0 subunit a2; plus strand). Cytogenetic location: 12q24.31.
Variant type: single nucleotide variant.
Coding change: c.1016G>A on transcript NM_012463.4 (MANE Select); coding-DNA position 1016, G replaced by A.
Protein change: p.Arg339His; replaces arginine 339 with histidine.
Molecular consequence: missense variant.
Genome position (GRCh38, 1-based): chr12:123,737,249, G>A. VCF-style: chr12-123737249-G-A. GRCh37 (hg19) VCF-style: chr12-124221796-G-A.
Other names: short protein forms R339H.
Identifiers: ClinVar variation 95516 (VCV000095516.22), dbSNP rs74922060, ClinGen allele CA148586.

ClinVar aggregate classification (germline): Benign. Review status: criteria provided, multiple submitters, no conflicts (2 of 4 stars). 8 submissions from 8 submitters: Benign (6). 2 of the submissions do not count toward it. Last evaluated 2026-02-04.

Conditions:
ALG9 congenital disorder of glycosylation (CDG1L). Also called: CDG Il; ALG9-CDG; CONGENITAL DISORDER OF GLYCOSYLATION, TYPE Il. Identifiers: Orphanet 79328, MedGen C2931006, MONDO:0012117, OMIM 608776.
Cutis laxa with osteodystrophy (ARCL2A). Also called: Debré-Type Cutis Laxa; CUTIS LAXA WITH CONGENITAL DISORDER OF GLYCOSYLATION; CUTIS LAXA, AUTOSOMAL RECESSIVE, TYPE IIA; CUTIS LAXA WITH BONE DYSTROPHY; CUTIS LAXA WITH GROWTH AND DEVELOPMENTAL DELAY; CUTIS LAXA WITH JOINT LAXITY AND RETARDED DEVELOPMENT. Identifiers: Orphanet 357058, MedGen C0268355, MONDO:0018163, OMIM 219200. Disease mechanism: loss of function.

Allele frequency attached by ClinVar (database versions not stated): gnomAD 0.01800; ESP Exome Variant Server 0.02076; 1000 Genomes Project 30x 0.02858; 1000 Genomes Project 0.02656; TOPMed 0.02713.
gnomAD v4.1: 10,775 of 1,614,096 alleles (0.67%); highest among the groups gnomAD compares: African/African-American, 5.6%; 243 homozygotes.

Submissions (8):

Labcorp Genetics (formerly Invitae), Labcorp
Classification: Benign for ALG9 congenital disorder of glycosylation. Last evaluated: 2026-02-04. Review status: criteria provided, single submitter. Criteria: Invitae Variant Classification Sherloc (09022015). Collection method: clinical testing. Allele origin: germline.

Illumina Laboratory Services, Illumina
Classification: Benign for Cutis laxa with osteodystrophy. Last evaluated: 2018-01-13. Review status: criteria provided, single submitter. Criteria: ICSL Variant Classification Criteria 13 December 2019. Collection method: clinical testing. Allele origin: germline.
Comment: This variant was observed in the ICSL laboratory as part of a predisposition screen in an ostensibly healthy population. It had not been previously curated by ICSL or reported in the Human Gene Mutation Database (HGMD: prior to June 1st, 2018), and was therefore a candidate for classification through an automated scoring system. Utilizing variant allele frequency, disease prevalence and penetrance estimates, and inheritance mode, an automated score was calculated to assess if this variant is too frequent to cause the disease. Based on the score and internal cut-off values, a variant classified as benign is not then subjected to further curation. The score for this variant resulted in a classification of benign for this disease.

GeneDx
Classification: Benign. Last evaluated: 2016-03-22. Review status: criteria provided, single submitter. Criteria: GeneDx Variant Classification (06012015). Collection method: clinical testing. Allele origin: germline. Affected: yes.
Comment: This variant is considered likely benign or benign based on one or more of the following criteria: it is a conservative change, it occurs at a poorly conserved position in the protein, it is predicted to be benign by multiple in silico algorithms, and/or has population frequency not consistent with disease.

Center for Pediatric Genomic Medicine, Children's Mercy Hospital and Clinics
Classification: Benign. Last evaluated: 2015-06-05. Review status: criteria provided, single submitter. Criteria: ACMG Guidelines, 2015. Collection method: clinical testing. Allele origin: germline.

Eurofins Ntd Llc (ga)
Classification: Benign. Last evaluated: 2012-07-10. Review status: criteria provided, single submitter. Criteria: EGL Classification Definitions 2015. Collection method: clinical testing. Allele origin: germline. Observed: 3 variant alleles, 3 heterozygotes.

Breakthrough Genomics
Classification: Benign. Review status: criteria provided, single submitter. Criteria: ACMG Guidelines, 2015. Collection method: not provided. Allele origin: germline. Inheritance: Autosomal recessive inheritance. Affected: yes.

Clinical Genetics DNA and cytogenetics Diagnostics Lab, Erasmus MC, Erasmus Medical Center
Classification: Benign. Review status: no assertion criteria provided. Collection method: clinical testing. Allele origin: germline. Affected: yes. Study: VKGL Data-share Consensus. Not counted in ClinVar's aggregate classification.

Laboratory of Diagnostic Genome Analysis, Leiden University Medical Center (LUMC)
Classification: Likely benign. Review status: no assertion criteria provided. Collection method: clinical testing. Allele origin: germline. Affected: yes. Study: VKGL Data-share Consensus. Not counted in ClinVar's aggregate classification.